The following is an entry in ClinVar:

ClinVar aggregate classification (germline): Uncertain significance (1 of 4 stars; one submission).

Allele frequency attached by ClinVar (database versions not stated): gnomAD exomes below 0.00001.
gnomAD v4.1: 1 of 1,614,174 alleles (0.000062%); highest among the groups gnomAD compares: Non-Finnish European, 0.000085%; no homozygotes.

Submission:

Ambry Genetics
Classification: Uncertain significance. Last evaluated: 2024-03-06. Review status: criteria provided, single submitter. Criteria: Ambry Variant Classification Scheme 2023. Collection method: clinical testing. Allele origin: germline.
Comment: The p.V1056I variant (also known as c.3166G>A), located in coding exon 1 of the MLH3 gene, results from a G to A substitution at nucleotide position 3166. The valine at codon 1056 is replaced by isoleucine, an amino acid with highly similar properties. This amino acid position is conserved. In addition, the in silico prediction for this alteration is inconclusive. Based on the available evidence, the clinical significance of this alteration remains unclear.

NM_001040108.2(MLH3):c.3166G>A (p.Val1056Ile)

Gene: MLH3 (mutL homolog 3; minus strand). Cytogenetic location: 14q24.3.
Variant type: single nucleotide variant.
Coding change: c.3166G>A on transcript NM_001040108.2 (MANE Select); coding-DNA position 3166, G replaced by A.
Protein change: p.Val1056Ile; replaces valine 1056 with isoleucine.
Molecular consequence: missense variant.
Genome position (GRCh38, 1-based): chr14:75,046,490, C>T on the plus strand (G>A on the coding strand, the complement: MLH3 is on the minus strand). VCF-style: chr14-75046490-C-T. GRCh37 (hg19) VCF-style: chr14-75513193-C-T.
Other names: c.3166G>A, p.Val1056Ile (NM_014381.3); short protein forms V1056I.
Identifiers: ClinVar variation 3232528 (VCV003232528.1), dbSNP rs2139546286, ClinGen allele CA390435511.